The following is an entry in ClinVar:

ClinVar aggregate classification (germline): Uncertain significance. Review status: criteria provided, multiple submitters, no conflicts (2 of 4 stars). 13 submissions from 11 submitters: Uncertain significance (10). 3 of the submissions do not count toward it. Last evaluated 2026-05-10.

Conditions:
BRIP1-related disorder. Also called: BRIP1-related condition; BRIP1-related disorders. Identifiers: MedGen CN239206.
Hereditary cancer-predisposing syndrome. Also called: Tumor predisposition; Neoplastic Syndromes, Hereditary; Hereditary neoplastic syndrome; Hereditary Cancer Syndrome. Identifiers: Orphanet 140162, MedGen C0027672, MeSH D009386, MONDO:0015356.
Fanconi anemia complementation group J. Also called: BRIP1-Related Fanconi Anemia. Identifiers: Orphanet 84, MedGen C1836860, MONDO:0012187, OMIM 609054.
Familial cancer of breast. Also called: BREAST CANCER, FAMILIAL; Hereditary breast cancer; hereditary breast carcinoma. Identifiers: Orphanet 227535, MedGen C0346153, MONDO:0016419, OMIM 114480. Disease mechanism: loss of function.
Malignant tumor of breast. Also called: Malignant breast neoplasm; Cancer breast. Identifiers: MedGen C0006142, MONDO:0007254. Disease mechanism: loss of function.

Submissions 1 to 8 of 13:

PreventionGenetics, part of Exact Sciences
Classification: Uncertain significance for BRIP1-related condition. Last evaluated: 2026-05-10. Review status: criteria provided, single submitter. Criteria: ACMG Guidelines, 2015. Collection method: clinical testing. Allele origin: germline.
Comment: The BRIP1 c.262_264delTGT variant is predicted to result in an in-frame deletion (p.Cys88del). This variant has been reported in at least three individuals with different types of cancer (pancreatic ductal adenocarcinoma, Shindo et al. 2017. PubMed ID: 28767289; breast cancer, Tung et al. 2016. PubMed ID: 26976419; prostate cancer, rs587781388 in Table S6, Momozawa et al. 2020. PubMed ID: 31214711). This variant is reported in 0.012% of alleles in individuals of African descent in gnomAD and is classified as a variant of uncertain significance in the ClinVar database (Variation ID: 140945). At this time, the clinical significance of this variant is uncertain due to the absence of conclusive functional and genetic evidence.

Labcorp Genetics (formerly Invitae), Labcorp
Classification: Uncertain significance for Familial cancer of breast; Fanconi anemia complementation group J. Last evaluated: 2026-01-26. Review status: criteria provided, single submitter. Criteria: Invitae Variant Classification Sherloc (09022015). Collection method: clinical testing. Allele origin: germline.
Comment: This variant, c.262_264del, results in the deletion of 1 amino acid(s) of the BRIP1 protein (p.Cys88del), but otherwise preserves the integrity of the reading frame. This variant is present in population databases (rs587781388, gnomAD 0.01%). This variant has been observed in individual(s) with breast cancer, pancreatic cancer, and prostate cancer (PMID: 26976419, 28767289, 31214711). ClinVar contains an entry for this variant (Variation ID: 140945). Experimental studies and prediction algorithms are not available or were not evaluated, and the functional significance of this variant is currently unknown. In summary, the available evidence is currently insufficient to determine the role of this variant in disease. Therefore, it has been classified as a Variant of Uncertain Significance.

Women's Health and Genetics/Laboratory Corporation of America, LabCorp
Classification: Uncertain significance. Last evaluated: 2025-11-06. Review status: criteria provided, single submitter. Criteria: LabCorp Variant Classification Summary - May 2015. Collection method: clinical testing. Allele origin: germline.
Comment: Variant summary: BRIP1 c.262_264delTGT (p.Cys88del) results in an in-frame deletion that is predicted to remove one amino acids from the encoded protein. The variant allele was found at a frequency of 2e-05 in 251452 control chromosomes. The available data on variant occurrences in the general population are insufficient to allow any conclusion about variant significance. c.262_264delTGT has been reported in the literature in individuals affected with pancreatic cancer, breast cancer or prostate cancer, as well as in controls (Shindo_2017, Tung_2016, Momozawa_2020, Okawa_2023). These reports do not provide unequivocal conclusions about association of the variant with Hereditary Breast And Ovarian Cancer Syndrome. To our knowledge, no experimental evidence demonstrating an impact on protein function has been reported. The following publications have been ascertained in the context of this evaluation (PMID: 28767289, 26976419, 36243179, 31214711). ClinVar contains an entry for this variant (Variation ID: 140945). Based on the evidence outlined above, the variant was classified as uncertain significance.

Color Diagnostics, LLC DBA Color Health
Classification: Uncertain significance for Hereditary cancer-predisposing syndrome. Last evaluated: 2025-08-08. Review status: criteria provided, single submitter. Criteria: ACMG Guidelines, 2015. Collection method: clinical testing. Allele origin: germline.
Comment: This variant causes an in-frame deletion of one amino acid (codon 88) in the BRIP1 protein. To our knowledge, functional studies have not been performed for this variant. This variant has been reported in an individual affected with breast cancer (PMID: 26976419), two individuals affected with pancreatic cancer (PMID: 28767289) and two individuals affected with prostate cancer (PMID: 31214711). This variant has been identified in 5/251452 chromosomes in the general population by the Genome Aggregation Database (gnomAD) and in a control individual (PMID: 31214711). The available evidence is insufficient to determine the role of this variant in disease conclusively. Therefore, this variant is classified as a Variant of Uncertain Significance.

Molecular Diagnostics Laboratory, Catalan Institute of Oncology
Classification: Uncertain significance for Hereditary cancer-predisposing syndrome. Last evaluated: 2025-08-03. Review status: criteria provided, single submitter. Criteria: ACMG Guidelines, 2015. Collection method: clinical testing. Allele origin: germline.
Comment: PM2_Supporting, PP3 c.262_264del, located in exon 4of the BRIP1 gene, consists in the deletion of 3 nucleotides, predicted to cause an in-frame deletion of 1 amino acid (p.(Cys88del)). This variant is found in 4/268308 alleles at a frequency of 0.001% in the gnomAD v2.1.1 database, non-cancer dataset, with 2/23615 alleles in the African subpopulation. The SpliceAI algorithm predicts no significant impact on splicing. Algorithms developed to predict the effect of in-frame deletions suggest that this variant is likely to be disruptive (PROVEAN= -3.13 <-2.5) (PP3). To our knowledge, no well-established functional studies have been reported for this variant. It was found in a case-control study in 2 out of 7636 unselected prostate cancer patients and one out of 12366 healthy male controls (PMID: 31214711). This variant has been reported in breast, pancreas and prostate cancer-affected patients (PMID: 26976419, 28767289, 31214711). This variant has been reported in the ClinVar database (12x uncertain significance) and in LOVD (1x uncertain significance). Based on the currently available information, c.262_264del is classified as an uncertain significance variant according to ACMG/AMP classification guidelines.

Quest Diagnostics Nichols Institute San Juan Capistrano
Classification: Uncertain significance. Last evaluated: 2025-04-02. Review status: criteria provided, single submitter. Criteria: Quest Diagnostics criteria. Collection method: clinical testing. Allele origin: unknown.
Comment: The BRIP1 c.262_264del (p.Cys88del) variant has been reported in the published literature in individuals with pancreatic cancer (PMID: 28767289 (2017), 32659497 (2020)), and breast cancer (PMID: 26976419 (2016)), as well as in reportedly unaffected individuals (PMID: 36243179 (2022), 31214711 (2020)). The frequency of this variant in the general population (Genome Aggregation Database) is uninformative in the assessment of its pathogenicity. Based on the available information, we are unable to determine the clinical significance of this variant.

GeneDx
Classification: Uncertain significance. Last evaluated: 2023-05-09. Review status: criteria provided, single submitter. Criteria: GeneDx Variant Classification Process June 2021. Collection method: clinical testing. Allele origin: germline. Affected: yes.
Comment: In-frame deletion of one amino acid in a non-repeat region; Observed in individuals with breast and pancreatic cancer (Tung et al., 2016; Shindo et al., 2017; Hu et al., 2020); In silico analysis supports a deleterious effect on protein structure/function; Not observed at significant frequency in large population cohorts (gnomAD); This variant is associated with the following publications: (PMID: 26976419, 28767289, 31214711, 32659497)

Ambry Genetics
Classification: Uncertain significance for Hereditary cancer-predisposing syndrome. Last evaluated: 2023-01-30. Review status: criteria provided, single submitter. Criteria: Ambry Variant Classification Scheme 2023. Collection method: clinical testing. Allele origin: germline.
Comment: The c.262_264delTGT variant (also known as p.C88del) is located in coding exon 3 of the BRIP1 gene. This variant results from an in-frame TGT deletion at nucleotide positions 262 to 264. This results in the in-frame deletion of a cysteine at codon 88. This alteration has been reported in a cohort of 488 patients with stages I to III breast cancer who were tested with a 25-gene panel test (Tung N et al. J Clin Oncol, 2016 May;34:1460-8). This alteration was also identified in a cohort of patients with pancreatic cancer or other periampullary neoplasms tested for hereditary cancer risk via a multi-gene panel (Shindo K et al. J Clin Oncol, 2017 Oct;35:3382-3390). This alteration has been reported with a carrier frequency of 0.00026 in 7636 unselected prostate cancer patients and 0.00008 in 12366 male controls of Japanese ancestry (Momozawa Y et al. J Natl Cancer Inst, 2020 04;112:369-376). This amino acid position is highly conserved in available vertebrate species. In addition, the in silico prediction for this alteration is inconclusive (Choi Y et al. PLoS ONE. 2012; 7(10):e46688). Since supporting evidence is limited at this time, the clinical significance of this alteration remains unclear.

NM_032043.3(BRIP1):c.256TGT[2] (p.Cys88del)

Gene: BRIP1 (BRCA1 interacting DNA helicase 1; minus strand). Cytogenetic location: 17q23.2.
Variant type: Microsatellite.
Coding change: c.256TGT[2] on transcript NM_032043.3 (MANE Select); two copies in a row of the 3-base unit TGT starting at c.256; the reference has three copies in a row; one copy, 3 bases deleted; also written c.262_264del.
Protein change: p.Cys88del; deletes cysteine 88.
Molecular consequence: inframe deletion.
Genome position (GRCh38, 1-based): chr17:61,857,173-61,857,175, ACA deleted on the plus strand (TGT on the coding strand, the reverse complement: BRIP1 is on the minus strand); deleting any 3 consecutive bases within chr17:61,857,173-61,857,181 gives the same sequence; the position shown is the placement nearest the transcript's 3' end. VCF-style (leftmost placement, unchanged base first): chr17-61857172-CACA-C. GRCh37 (hg19) VCF-style: chr17-59934533-CACA-C.
Other names: c.262_264delTGT (NM_032043.2, NM_032043.3); c.262_264del (NM_032043.3); short protein forms C88del.
Identifiers: ClinVar variation 140945 (VCV000140945.40), dbSNP rs587781388, ClinGen allele CA294012.